The following is an entry in ClinVar:

NM_182961.4(SYNE1):c.19672C>T (p.Gln6558Ter)

Gene: SYNE1 (spectrin repeat containing nuclear envelope protein 1; minus strand). Cytogenetic location: 6q25.2.
Variant type: single nucleotide variant.
Coding change: c.19672C>T on transcript NM_182961.4 (MANE Select); coding-DNA position 19672, C replaced by T.
Protein change: p.Gln6558Ter; replaces glutamine 6558 with a stop codon.
Molecular consequence: nonsense.
Genome position (GRCh38, 1-based): chr6:152,244,557, G>A on the plus strand (C>T on the coding strand, the complement: SYNE1 is on the minus strand). VCF-style: chr6-152244557-G-A. GRCh37 (hg19) VCF-style: chr6-152565692-G-A.
Other names: c.19459C>T, p.Gln6487Ter (NM_033071.5); short protein forms Q6487*, Q6558*.
Identifiers: ClinVar variation 928923 (VCV000928923.1), dbSNP rs2086610889, ClinGen allele CA366130867.

ClinVar aggregate classification (germline): Likely pathogenic (1 of 4 stars; one submission).

Conditions:
Emery-Dreifuss muscular dystrophy 4, autosomal dominant (EDMD4). Also called: EMERY-DREIFUSS MUSCULAR DYSTROPHY 4 WITH VARIABLE FEATURES. Identifiers: Orphanet 261, MedGen C2751807, MONDO:0013071, OMIM 612998.

gnomAD v4.1: 1 of 1,614,080 alleles (0.000062%); highest among the groups gnomAD compares: Non-Finnish European, 0.000085%; no homozygotes.

Submission:

Women's Health and Genetics/Laboratory Corporation of America, LabCorp
Classification: Likely pathogenic for Emery-Dreifuss muscular dystrophy 4, autosomal dominant. Last evaluated: 2019-02-20. Review status: criteria provided, single submitter. Criteria: LabCorp Variant Classification Summary - May 2015. Collection method: clinical testing. Allele origin: germline.
Comment: Variant summary: SYNE1 c.19459C>T (p.Gln6487X) results in a premature termination codon, predicted to cause a truncation of the encoded protein or absence of the protein due to nonsense mediated decay, which are commonly known mechanisms for disease. The variant was absent in 246196 control chromosomes (gnomAD). To our knowledge, no occurrence of c.19459C>T in individuals affected with Emery-Dreifuss muscular dystrophy 4, autosomal dominant and no experimental evidence demonstrating its impact on protein function have been reported. No clinical diagnostic laboratories have submitted clinical-significance assessments for this variant to ClinVar after 2014. Based on the evidence outlined above, the variant was classified as likely pathogenic.